The following is an entry in ClinVar:

NM_014714.4(IFT140):c.2686G>A (p.Asp896Asn)

Gene: IFT140 (intraflagellar transport 140; minus strand). Cytogenetic location: 16p13.3.
Variant type: single nucleotide variant.
Coding change: c.2686G>A on transcript NM_014714.4 (MANE Select); coding-DNA position 2686, G replaced by A.
Protein change: p.Asp896Asn; replaces aspartic acid 896 with asparagine.
Molecular consequence: missense variant.
Genome position (GRCh38, 1-based): chr16:1,525,969, C>T on the plus strand (G>A on the coding strand, the complement: IFT140 is on the minus strand). VCF-style: chr16-1525969-C-T. GRCh37 (hg19) VCF-style: chr16-1575970-C-T.
Other names: short protein forms D896N.
Identifiers: ClinVar variation 1362811 (VCV001362811.6), dbSNP rs775236964, ClinGen allele CA394227389.

ClinVar aggregate classification (germline): Uncertain significance (1 of 4 stars; one submission).

Conditions:
Saldino-Mainzer syndrome (SRTD9). Also called: CONORENAL SYNDROME; Renal dysplasia, retinal pigmentary dystrophy, cerebellar ataxia and skeletal dysplasia; SHORT-RIB THORACIC DYSPLASIA 9 WITHOUT POLYDACTYLY; short-rib thoracic dysplasia 9 with or without polydactyly. Identifiers: Orphanet 140969, MedGen C1849437, MONDO:0009964, OMIM 266920.

Allele frequency attached by ClinVar (database versions not stated): gnomAD 0.00001; TOPMed 0.00001.

Submission:

Labcorp Genetics (formerly Invitae), Labcorp
Classification: Uncertain significance for Saldino-Mainzer syndrome. Last evaluated: 2026-01-18. Review status: criteria provided, single submitter. Criteria: Invitae Variant Classification Sherloc (09022015). Collection method: clinical testing. Allele origin: germline.
Comment: This sequence change replaces aspartic acid, which is acidic and polar, with asparagine, which is neutral and polar, at codon 896 of the IFT140 protein (p.Asp896Asn). The frequency data for this variant in the population databases is considered unreliable, as metrics indicate poor data quality at this position in the gnomAD database. This variant has not been reported in the literature in individuals affected with IFT140-related conditions. ClinVar contains an entry for this variant (Variation ID: 1362811). Invitae Evidence Modeling of protein sequence and biophysical properties (such as structural, functional, and spatial information, amino acid conservation, physicochemical variation, residue mobility, and thermodynamic stability) indicates that this missense variant is not expected to disrupt IFT140 protein function with a negative predictive value of 80%. In summary, the available evidence is currently insufficient to determine the role of this variant in disease. Therefore, it has been classified as a Variant of Uncertain Significance.